The following is an entry in ClinVar:

NM_001105206.3(LAMA4):c.2005A>G (p.Ser669Gly)

Gene: LAMA4 (laminin subunit alpha 4; minus strand). Cytogenetic location: 6q21.
Variant type: single nucleotide variant.
Coding change: c.2005A>G on transcript NM_001105206.3 (MANE Select); coding-DNA position 2005, A replaced by G.
Protein change: p.Ser669Gly; replaces serine 669 with glycine.
Molecular consequence: missense variant.
Genome position (GRCh38, 1-based): chr6:112,154,902, T>C on the plus strand (A>G on the coding strand, the complement: LAMA4 is on the minus strand). VCF-style: chr6-112154902-T-C. GRCh37 (hg19) VCF-style: chr6-112476104-T-C.
Other names: c.1984A>G, p.Ser662Gly (NM_001105207.3, NM_002290.5); short protein forms S669G, S662G.
Identifiers: ClinVar variation 4614458 (VCV004614458.1).

ClinVar aggregate classification (germline): Uncertain significance (1 of 4 stars; one submission).

Conditions:
Cardiovascular phenotype. Identifiers: MedGen CN230736.

gnomAD v4.1: 2 of 1,613,672 alleles (0.00012%); highest among the groups gnomAD compares: South Asian, 0.0011%; no homozygotes.

Submission:

Ambry Genetics
Classification: Uncertain significance for Cardiovascular phenotype. Last evaluated: 2025-12-02. Review status: criteria provided, single submitter. Criteria: Ambry Variant Classification Scheme 2023. Collection method: clinical testing. Allele origin: germline.
Comment: The p.S662G variant (also known as c.1984A>G), located in coding exon 15 of the LAMA4 gene, results from an A to G substitution at nucleotide position 1984. The serine at codon 662 is replaced by glycine, an amino acid with similar properties. This amino acid position is conserved. In addition, this alteration is predicted to be tolerated by in silico analysis. Based on the available evidence, the clinical significance of this variant remains unclear.